The following is an entry in ClinVar:

ClinVar aggregate classification (germline): Likely pathogenic (1 of 4 stars; one submission).

Conditions:
GREB1L-related disorder. Also called: GREB1L-related condition.

Submission:

PreventionGenetics, part of Exact Sciences
Classification: Likely pathogenic for GREB1L-related condition. Last evaluated: 2023-02-23. Review status: criteria provided, single submitter. Criteria: ACMG Guidelines, 2015. Collection method: clinical testing. Allele origin: germline.
Comment: The GREB1L c.2161_2162delCT variant is predicted to result in a frameshift and premature protein termination (p.Leu721Serfs*34). To our knowledge, this variant has not been reported in the literature or in a large population database, indicating this variant is rare. Frameshift variants in GREB1L are expected to be pathogenic. This variant is interpreted as likely pathogenic.

NM_001142966.3(GREB1L):c.2161_2162del (p.Leu721fs)

Gene: GREB1L (GREB1 like retinoic acid receptor coactivator; plus strand). Cytogenetic location: 18q11.1.
Variant type: Microsatellite.
Coding change: c.2161_2162del on transcript NM_001142966.3 (MANE Select); coding-DNA positions 2161 to 2162, 2 bases deleted (CT; older notation c.2161_2162delCT).
Protein change: p.Leu721fs; shifts the reading frame from leucine 721.
Molecular consequence: frameshift variant.
Genome position (GRCh38, 1-based): chr18:21,454,542-21,454,543, CT deleted; deleting any 2 consecutive bases within chr18:21,454,540-21,454,543 gives the same sequence; the c. name uses the placement nearest the transcript's 3' end. VCF-style (leftmost placement, unchanged base first): chr18-21454539-ACT-A. GRCh37 (hg19) VCF-style: chr18-19034500-ACT-A.
Other names: c.2290_2291del, p.Leu764fs (NM_001410867.1); c.1834_1835del, p.Leu612fs (NM_001410868.1); short protein forms L612fs, L721fs, L764fs.
Identifiers: ClinVar variation 2630537 (VCV002630537.1), dbSNP rs2511479478, ClinGen allele CA2695200381.